The following is an entry in ClinVar:

ClinVar aggregate classification (germline): Pathogenic. Review status: criteria provided, multiple submitters, no conflicts (2 of 4 stars). 5 submissions from 5 submitters: Pathogenic (5). Last evaluated 2026-07-17.

Conditions:
Hereditary cancer-predisposing syndrome. Also called: Tumor predisposition; Neoplastic Syndromes, Hereditary; Hereditary neoplastic syndrome; Hereditary Cancer Syndrome. Identifiers: Orphanet 140162, MedGen C0027672, MeSH D009386, MONDO:0015356.
Peutz-Jeghers syndrome (PJS). Also called: POLYPOSIS, HAMARTOMATOUS INTESTINAL; POLYPS-AND-SPOTS SYNDROME; Peutz-Jeghers polyposis; Periorificial lentiginosis syndrome. Identifiers: Orphanet 2869, MedGen C0031269, MeSH D010580, MONDO:0008280, OMIM 175200.

Submissions (5):

GeneDx
Classification: Pathogenic. Last evaluated: 2026-07-17. Review status: criteria provided, single submitter. Criteria: GeneDx Variant Classification Process June 2021. Collection method: clinical testing. Allele origin: germline.
Comment: Nonsense variant predicted to result in protein truncation or nonsense mediated decay in a gene for which loss of function is a known mechanism of disease; Not observed at significant frequency in large population cohorts (gnomAD); This variant is associated with the following publications: (PMID: 15188174, 16707622, 30528796, 24998845)

Ambry Genetics
Classification: Pathogenic for Hereditary cancer-predisposing syndrome. Last evaluated: 2025-07-31. Review status: criteria provided, single submitter. Criteria: Ambry Variant Classification Scheme 2023. Collection method: clinical testing. Allele origin: germline.
Comment: The p.Q37* pathogenic mutation (also known as c.109C>T), located in coding exon 1 of the STK11 gene, results from a C to T substitution at nucleotide position 109. This changes the amino acid from a glutamine to a stop codon within coding exon 1. This mutation has been reported in multiple individuals fulfilling criteria for a clinical diagnosis of Peutz-Jeghers syndrome (PJS) (Lim W et al. Gastroenterology. 2004 Jun;126(7):1788-94; Hearle N et al. Clin Cancer Res. 2006 May 15;12(10):3209-15; Jiang YL et al. Cancer Genet, 2019 01;230:47-57). In addition, in vivo functional studies demonstrate that this alteration confers tumorigenicity (Dahmani R et al. Oncogene, 2015 Apr;34:2337-46). This variant is considered to be rare based on population cohorts in the Genome Aggregation Database (gnomAD). This alteration is expected to result in loss of function by premature protein truncation or nonsense-mediated mRNA decay. As such, this alteration is interpreted as a disease-causing mutation.

Myriad Genetics, Inc.
Classification: Pathogenic for Peutz-Jeghers syndrome. Last evaluated: 2024-02-09. Review status: criteria provided, single submitter. Criteria: Myriad Autosomal Dominant, Autosomal Recessive and X-Linked Classification Criteria (2023). Collection method: clinical testing. Allele origin: unknown.
Comment: This variant is considered pathogenic. This variant creates a termination codon and is predicted to result in premature protein truncation.

Genome-Nilou Lab
Classification: Pathogenic for Peutz-Jeghers syndrome. Last evaluated: 2021-07-15. Review status: criteria provided, single submitter. Criteria: ACMG Guidelines, 2015. Collection method: clinical testing. Allele origin: germline. Affected: no.

Labcorp Genetics (formerly Invitae), Labcorp
Classification: Pathogenic for Peutz-Jeghers syndrome. Last evaluated: 2017-02-13. Review status: criteria provided, single submitter. Criteria: Invitae Variant Classification Sherloc (09022015). Collection method: clinical testing. Allele origin: germline.
Comment: For these reasons, this variant has been classified as Pathogenic. Loss-of-function variants in STK11 are known to be pathogenic. This particular variant has been reported in the literature in at least one individual with Peutz-Jeghers syndrome (PMID: 15188174). This sequence change creates a premature translational stop signal at codon 37 (p.Gln37*) of the STK11 gene. It is expected to result in an absent or disrupted protein product.

Literature cited by the submitters: PubMed 15188174 (cited by Ambry Genetics and Labcorp Genetics (formerly Invitae), Labcorp); PubMed 16707622 (cited by Ambry Genetics); PubMed 24998845 (cited by Ambry Genetics); PubMed 30528796 (cited by Ambry Genetics).

NM_000455.5(STK11):c.109C>T (p.Gln37Ter)

Gene: STK11 (serine/threonine kinase 11; plus strand). Cytogenetic location: 19p13.3.
Variant type: single nucleotide variant.
Coding change: c.109C>T on transcript NM_000455.5 (MANE Select); coding-DNA position 109, C replaced by T.
Protein change: p.Gln37Ter; replaces glutamine 37 with a stop codon.
Molecular consequence: nonsense.
Genome position (GRCh38, 1-based): chr19:1,207,022, C>T. VCF-style: chr19-1207022-C-T. GRCh37 (hg19) VCF-style: chr19-1207021-C-T.
Other names: short protein forms Q37*.
Identifiers: ClinVar variation 376334 (VCV000376334.18), dbSNP rs121913324, ClinGen allele CA16602777.